The following is an entry in ClinVar:

NM_001330288.2(SMARCC2):c.575G>A (p.Arg192Gln)

Gene: SMARCC2 (SWI/SNF related BAF chromatin remodeling complex subunit C2; minus strand). Cytogenetic location: 12q13.2.
Variant type: single nucleotide variant.
Coding change: c.575G>A on transcript NM_001330288.2 (MANE Select); coding-DNA position 575, G replaced by A.
Protein change: p.Arg192Gln; replaces arginine 192 with glutamine.
Molecular consequence: missense variant.
Genome position (GRCh38, 1-based): chr12:56,183,918, C>T on the plus strand (G>A on the coding strand, the complement: SMARCC2 is on the minus strand). VCF-style: chr12-56183918-C-T. GRCh37 (hg19) VCF-style: chr12-56577702-C-T.
Other names: c.575G>A, p.Arg192Gln (NM_001130420.3, NM_003075.5, NM_139067.4); short protein forms R192Q.
Identifiers: ClinVar variation 5037617 (VCV005037617.1).

ClinVar aggregate classification (germline): Uncertain significance (1 of 4 stars; one submission).

Submission:

GeneDx
Classification: Uncertain significance. Last evaluated: 2026-04-24. Review status: criteria provided, single submitter. Criteria: GeneDx Variant Classification Process June 2021. Collection method: clinical testing. Allele origin: germline.
Comment: Not observed at significant frequency in large population cohorts (gnomAD); In silico analysis supports that this missense variant has a deleterious effect on protein structure/function; Has not been previously published as pathogenic or benign to our knowledge